The following is an entry in ClinVar:

NM_000094.4(COL7A1):c.2360C>T (p.Ala787Val)

Gene: COL7A1 (collagen type VII alpha 1 chain; minus strand). Cytogenetic location: 3p21.31.
Variant type: single nucleotide variant.
Coding change: c.2360C>T on transcript NM_000094.4 (MANE Select); coding-DNA position 2360, C replaced by T.
Protein change: p.Ala787Val; replaces alanine 787 with valine.
Molecular consequence: missense variant.
Genome position (GRCh38, 1-based): chr3:48,588,950, G>A on the plus strand (C>T on the coding strand, the complement: COL7A1 is on the minus strand). VCF-style: chr3-48588950-G-A. GRCh37 (hg19) VCF-style: chr3-48626383-G-A.
Other names: short protein forms A787V.
Identifiers: ClinVar variation 1308970 (VCV001308970.2), dbSNP rs2107769020, ClinGen allele CA352721113.

ClinVar aggregate classification (germline): Uncertain significance (1 of 4 stars; one submission).

Submission:

GeneDx
Classification: Uncertain significance. Last evaluated: 2019-10-04. Review status: criteria provided, single submitter. Criteria: GeneDx Variant Classification Process June 2021. Collection method: clinical testing. Allele origin: germline. Affected: yes.
Comment: Not observed in large population cohorts (Lek et al., 2016); In silico analysis, which includes protein predictors and evolutionary conservation, supports that this variant does not alter protein structure/function; Has not been previously published as pathogenic or benign to our knowledge